The following is an entry in ClinVar:

NM_014712.3(SETD1A):c.1906C>T (p.Pro636Ser)

Gene: SETD1A (SET domain containing 1A, histone lysine methyltransferase; plus strand). Cytogenetic location: 16p11.2.
Variant type: single nucleotide variant.
Coding change: c.1906C>T on transcript NM_014712.3 (MANE Select); coding-DNA position 1906, C replaced by T.
Protein change: p.Pro636Ser; replaces proline 636 with serine.
Molecular consequence: missense variant.
Genome position (GRCh38, 1-based): chr16:30,965,787, C>T. VCF-style: chr16-30965787-C-T. GRCh37 (hg19) VCF-style: chr16-30977108-C-T.
Other names: short protein forms P636S.
Identifiers: ClinVar variation 4883202 (VCV004883202.2).
Genomic context (GRCh38, chr16:30,965,787, plus strand): 5'-CCCTACCTGGCGTCCCTTCCTCTTGGTTATCCTCCCCACCAACCTGCCTACCTCCTCCCA[C>T]CCAGACCTGATGGGCCGCCGCCCCCTGAGTACCCCCCACCTCCTCCACCACCCCCGCACA-3'
Protein context (NP_055527.1, residues 626-646): PPHQPAYLLP[Pro636Ser]RPDGPPPPEY

ClinVar aggregate classification (germline): Uncertain significance (1 of 4 stars; one submission).

Conditions:
Neurodevelopmental disorder with speech impairment and dysmorphic facies. Identifiers: MedGen C5436699, MONDO:0033630, OMIM 619056.

Submission:

Dasa
Classification: Uncertain significance for Neurodevelopmental disorder with speech impairment and dysmorphic facies. Last evaluated: 2025-06-30. Review status: criteria provided, single submitter. Criteria: DASA Assertion Criteria. Collection method: clinical testing. Allele origin: germline.
Comment: NM_014712.3(SETD1A):c.1906C>T (p.Pro636Ser) is a missense variant that results in the substitution of proline with serine. This variant is rare in population databases. Computational prediction algorithms are consistent with a benign effect. The currently available literature and clinical evidence are not sufficient to establish a definitive association between this variant and the reported condition. Therefore, this variant is classified as a variant of uncertain significance.